The following is an entry in ClinVar:

ClinVar aggregate classification (germline): Uncertain significance (1 of 4 stars; one submission).

Allele frequency attached by ClinVar (database versions not stated): gnomAD 0.00002; gnomAD exomes 0.00002; TOPMed 0.00003; ExAC 0.00008.
gnomAD v4.1: 27 of 1,205,059 alleles (0.0022%); highest among the groups gnomAD compares: Admixed American, 0.059%; no homozygotes.

Submission:

Clinical Genomics Laboratory, Washington University in St. Louis
Classification: Uncertain significance. Last evaluated: 2023-10-12. Review status: criteria provided, single submitter. Criteria: ACMG Guidelines, 2015. Collection method: clinical testing. Allele origin: germline.
Comment: The ARAF c.97-7C>T variant was identified at a near heterozygous allelic fraction. This variant, to our knowledge, has not been reported in the medical literature. This variant is only observed on 1/112341 alleles in the general population (gnomAD v.3.1.2), indicating it is not a common variant. Computational predictors suggest that the variant does not impact ARAF function. Due to limited information, and based on ACMG/AMP guidelines for variant interpretation (Richards S et al., PMID: 25741868), the clinical significance of this variant is uncertain at this time.

NM_001654.5(ARAF):c.97-7C>T

Gene: ARAF (A-Raf proto-oncogene, serine/threonine kinase; plus strand). Cytogenetic location: Xp11.3.
Variant type: single nucleotide variant.
Coding change: c.97-7C>T on transcript NM_001654.5 (MANE Select); 7 bases into the intron before coding-DNA position 97, C replaced by T.
Molecular consequence: intron variant.
Genome position (GRCh38, 1-based): chrX:47,563,219, C>T. VCF-style: chrX-47563219-C-T. GRCh37 (hg19) VCF-style: chrX-47422618-C-T.
Other names: c.97-7C>T (NM_001256196.2, NM_001256197.2).
Identifiers: ClinVar variation 2672157 (VCV002672157.1), dbSNP rs766226234, ClinGen allele CA10397936.